The following is an entry in ClinVar:

NM_001430.5(EPAS1):c.1252A>T (p.Asn418Tyr)

Gene: EPAS1 (endothelial PAS domain protein 1; plus strand). Cytogenetic location: 2p21.
Variant type: single nucleotide variant.
Coding change: c.1252A>T on transcript NM_001430.5 (MANE Select); coding-DNA position 1252, A replaced by T.
Protein change: p.Asn418Tyr; replaces asparagine 418 with tyrosine.
Molecular consequence: missense variant.
Genome position (GRCh38, 1-based): chr2:46,377,896, A>T. VCF-style: chr2-46377896-A-T. GRCh37 (hg19) VCF-style: chr2-46605035-A-T.
Other names: short protein forms N418Y.
Identifiers: ClinVar variation 1760977 (VCV001760977.2), dbSNP rs2546473338, ClinGen allele CA346703574.

ClinVar aggregate classification (germline): Uncertain significance (1 of 4 stars; one submission).

Conditions:
Inborn genetic diseases. Identifiers: MedGen C0950123, MeSH D030342.

Submission:

Ambry Genetics
Classification: Uncertain significance for Inborn genetic diseases. Last evaluated: 2022-09-09. Review status: criteria provided, single submitter. Criteria: Ambry Variant Classification Scheme 2023. Collection method: clinical testing. Allele origin: germline.
Comment: The p.N418Y variant (also known as c.1252A>T), located in coding exon 10 of the EPAS1 gene, results from an A to T substitution at nucleotide position 1252. The asparagine at codon 418 is replaced by tyrosine, an amino acid with dissimilar properties. This amino acid position is conserved. In addition, this alteration is predicted to be tolerated by in silico analysis. Since supporting evidence is limited at this time, the clinical significance of this alteration remains unclear.